The following is an entry in ClinVar:

ClinVar aggregate classification (germline): Uncertain significance. Review status: criteria provided, multiple submitters, no conflicts (2 of 4 stars). 2 submissions from 2 submitters: Uncertain significance (2). Last evaluated 2022-09-26.

Conditions:
Hereditary cancer-predisposing syndrome. Also called: Tumor predisposition; Hereditary Cancer Syndrome; Neoplastic Syndromes, Hereditary; Hereditary neoplastic syndrome. Identifiers: Orphanet 140162, MedGen C0027672, MeSH D009386, MONDO:0015356.

Allele frequency attached by ClinVar (database versions not stated): TOPMed below 0.00001.

Submissions (2):

Color Diagnostics, LLC DBA Color Health
Classification: Uncertain significance for Hereditary cancer-predisposing syndrome. Last evaluated: 2022-09-26. Review status: criteria provided, single submitter. Criteria: ACMG Guidelines, 2015. Collection method: clinical testing. Allele origin: germline.
Comment: This missense variant replaces serine with alanine at codon 941 of the ATM protein. Computational prediction suggests that this variant may not impact protein structure and function (internally defined REVEL score threshold <= 0.5, PMID: 27666373). To our knowledge, functional studies have not been reported for this variant. This variant has not been reported in individuals affected with hereditary cancer in the literature. This variant has not been identified in the general population by the Genome Aggregation Database (gnomAD). The available evidence is insufficient to determine the role of this variant in disease conclusively. Therefore, this variant is classified as a Variant of Uncertain Significance.

Ambry Genetics
Classification: Uncertain significance for Hereditary cancer-predisposing syndrome. Last evaluated: 2019-08-06. Review status: criteria provided, single submitter. Criteria: Ambry Variant Classification Scheme 2023. Collection method: clinical testing. Allele origin: germline.
Comment: The p.S941A variant (also known as c.2821T>G), located in coding exon 17 of the ATM gene, results from a T to G substitution at nucleotide position 2821. The serine at codon 941 is replaced by alanine, an amino acid with similar properties. This amino acid position is poorly conserved in available vertebrate species. In addition, this alteration is predicted to be tolerated by in silico analysis. Since supporting evidence is limited at this time, the clinical significance of this alteration remains unclear.

NM_000051.4(ATM):c.2821T>G (p.Ser941Ala)

Gene: ATM (ATM serine/threonine kinase; plus strand). Cytogenetic location: 11q22.3.
Variant type: single nucleotide variant.
Coding change: c.2821T>G on transcript NM_000051.4 (MANE Select); coding-DNA position 2821, T replaced by G.
Protein change: p.Ser941Ala; replaces serine 941 with alanine.
Molecular consequence: missense variant.
Genome position (GRCh38, 1-based): chr11:108,268,592, T>G. VCF-style: chr11-108268592-T-G. GRCh37 (hg19) VCF-style: chr11-108139319-T-G.
Other names: c.2821T>G, p.Ser941Ala (NM_001351834.2); short protein forms S941A.
Identifiers: ClinVar variation 821857 (VCV000821857.9), dbSNP rs1209997887, ClinGen allele CA382545784.